The following is an entry in ClinVar:

ClinVar aggregate classification (germline): Uncertain significance (1 of 4 stars; one submission).

Conditions:
TH-deficient dopa-responsive dystonia. Also called: Tyrosine Hydroxylase-Deficient Dopa-Responsive Dystonia; Segawa syndrome, autosomal recessive; DYT-TH. Identifiers: Orphanet 101150, MedGen C2673535, MONDO:0011551, OMIM 605407.

Allele frequency attached by ClinVar (database versions not stated): ExAC 0.00001; gnomAD exomes 0.00001; gnomAD 0.00003.
gnomAD v4.1: 14 of 1,605,402 alleles (0.00087%); highest among the groups gnomAD compares: East Asian, 0.0022%; no homozygotes.

Submission:

Labcorp Genetics (formerly Invitae), Labcorp
Classification: Uncertain significance for TH-deficient dopa-responsive dystonia. Last evaluated: 2022-04-17. Review status: criteria provided, single submitter. Criteria: Invitae Variant Classification Sherloc (09022015). Collection method: clinical testing. Allele origin: germline.
Comment: This sequence change replaces proline, which is neutral and non-polar, with leucine, which is neutral and non-polar, at codon 52 of the TH protein (p.Pro52Leu). This variant is present in population databases (rs781594548, gnomAD 0.01%). This variant has not been reported in the literature in individuals affected with TH-related conditions. Advanced modeling of protein sequence and biophysical properties (such as structural, functional, and spatial information, amino acid conservation, physicochemical variation, residue mobility, and thermodynamic stability) performed at Invitae indicates that this missense variant is not expected to disrupt TH protein function. In summary, the available evidence is currently insufficient to determine the role of this variant in disease. Therefore, it has been classified as a Variant of Uncertain Significance.

NM_000360.4(TH):c.91-847C>T

Gene: TH (tyrosine hydroxylase; minus strand). Cytogenetic location: 11p15.5.
Variant type: single nucleotide variant.
Coding change: c.91-847C>T on transcript NM_000360.4 (MANE Select); 847 bases into the intron before coding-DNA position 91, C replaced by T.
Molecular consequence: intron variant. On other transcripts: missense variant (2).
Genome position (GRCh38, 1-based): chr11:2,170,718, G>A on the plus strand (C>T on the coding strand, the complement: TH is on the minus strand). VCF-style: chr11-2170718-G-A. GRCh37 (hg19) VCF-style: chr11-2191948-G-A.
Other names: c.155C>T, p.Pro52Leu (NM_199292.3); c.143C>T, p.Pro48Leu (NM_199293.3); short protein forms P48L, P52L.
Identifiers: ClinVar variation 2151671 (VCV002151671.1), dbSNP rs781594548, ClinGen allele CA5818816.